The following is an entry in ClinVar:

NM_000276.4(OCRL):c.625C>T (p.Leu209Phe)

Gene: OCRL (OCRL inositol polyphosphate-5-phosphatase; plus strand). Cytogenetic location: Xq26.1.
Variant type: single nucleotide variant.
Coding change: c.625C>T on transcript NM_000276.4 (MANE Select); coding-DNA position 625, C replaced by T.
Protein change: p.Leu209Phe; replaces leucine 209 with phenylalanine.
Molecular consequence: missense variant.
Genome position (GRCh38, 1-based): chrX:129,558,904, C>T. VCF-style: chrX-129558904-C-T. GRCh37 (hg19) VCF-style: chrX-128692881-C-T.
Other names: c.625C>T (NM_000276.3); c.628C>T, p.Leu210Phe (NM_001318784.2); c.625C>T, p.Leu209Phe (NM_001587.4); short protein forms L209F, L210F.
Identifiers: ClinVar variation 1953286 (VCV001953286.7), dbSNP rs1936103153, ClinGen allele CA414551684.
Genomic context (GRCh38, chrX:129,558,904, plus strand): 5'-CCACGTGAAAAAGAAGCTTCTAACAAGGAGCAGCCCAAAGTGACCAACACCATGCGGAAG[C>T]TCTTTGTACCAAATACCCAATCTGGGCAGCGGGAGGGTCTCATCAAACATATCCTGGCAA-3'
Protein context (NP_000267.2, residues 199-219): QPKVTNTMRK[Leu209Phe]FVPNTQSGQR

ClinVar aggregate classification (germline): Uncertain significance. Review status: criteria provided, multiple submitters, no conflicts (2 of 4 stars). 2 submissions from 2 submitters: Uncertain significance (2). Last evaluated 2023-10-13.

Conditions:
Lowe syndrome (OCRL). Also called: Oculocerebrorenal Syndrome; LOWE OCULOCEREBRORENAL SYNDROME; PHOSPHATIDYLINOSITOL 4,5-BISPHOSPHATE 5-PHOSPHATASE DEFICIENCY. Identifiers: Orphanet 534, MedGen C0028860, MONDO:0010645, OMIM 309000.

Allele frequency attached by ClinVar (database versions not stated): gnomAD exomes below 0.00001; TOPMed below 0.00001; gnomAD 0.00001.

Submissions (2):

Labcorp Genetics (formerly Invitae), Labcorp
Classification: Uncertain significance for Lowe syndrome. Last evaluated: 2023-10-13. Review status: criteria provided, single submitter. Criteria: Invitae Variant Classification Sherloc (09022015). Collection method: clinical testing. Allele origin: germline.
Comment: This sequence change replaces leucine, which is neutral and non-polar, with phenylalanine, which is neutral and non-polar, at codon 209 of the OCRL protein (p.Leu209Phe). This variant is not present in population databases (gnomAD no frequency). This variant has not been reported in the literature in individuals affected with OCRL-related conditions. ClinVar contains an entry for this variant (Variation ID: 1953286). Advanced modeling of protein sequence and biophysical properties (such as structural, functional, and spatial information, amino acid conservation, physicochemical variation, residue mobility, and thermodynamic stability) performed at Invitae indicates that this missense variant is not expected to disrupt OCRL protein function. In summary, the available evidence is currently insufficient to determine the role of this variant in disease. Therefore, it has been classified as a Variant of Uncertain Significance.

GeneDx
Classification: Uncertain significance. Last evaluated: 2022-07-31. Review status: criteria provided, single submitter. Criteria: GeneDx Variant Classification Process June 2021. Collection method: clinical testing. Allele origin: germline. Affected: yes.
Comment: Not observed at significant frequency in large population cohorts (gnomAD); In silico analysis supports that this missense variant does not alter protein structure/function; Has not been previously published as pathogenic or benign to our knowledge